The following is an entry in ClinVar:

NM_032833.5(PPP1R15B):c.878T>G (p.Ile293Ser)

Gene: PPP1R15B (protein phosphatase 1 regulatory subunit 15B; minus strand). Cytogenetic location: 1q32.1.
Variant type: single nucleotide variant.
Coding change: c.878T>G on transcript NM_032833.5 (MANE Select); coding-DNA position 878, T replaced by G.
Protein change: p.Ile293Ser; replaces isoleucine 293 with serine.
Molecular consequence: missense variant.
Genome position (GRCh38, 1-based): chr1:204,410,534, A>C on the plus strand (T>G on the coding strand, the complement: PPP1R15B is on the minus strand). VCF-style: chr1-204410534-A-C. GRCh37 (hg19) VCF-style: chr1-204379662-A-C.
Other names: short protein forms I293S.
Identifiers: ClinVar variation 3713582 (VCV003713582.2).

ClinVar aggregate classification (germline): Uncertain significance (1 of 4 stars; one submission).

Submission:

Labcorp Genetics (formerly Invitae), Labcorp
Classification: Uncertain significance. Last evaluated: 2024-12-02. Review status: criteria provided, single submitter. Criteria: Invitae Variant Classification Sherloc (09022015). Collection method: clinical testing. Allele origin: germline.
Comment: This sequence change replaces isoleucine, which is neutral and non-polar, with serine, which is neutral and polar, at codon 293 of the PPP1R15B protein (p.Ile293Ser). This variant is not present in population databases (gnomAD no frequency). This variant has not been reported in the literature in individuals affected with PPP1R15B-related conditions. Invitae Evidence Modeling of protein sequence and biophysical properties (such as structural, functional, and spatial information, amino acid conservation, physicochemical variation, residue mobility, and thermodynamic stability) indicates that this missense variant is expected to disrupt PPP1R15B protein function with a positive predictive value of 80%. In summary, the available evidence is currently insufficient to determine the role of this variant in disease. Therefore, it has been classified as a Variant of Uncertain Significance.